The following is an entry in ClinVar:

NM_001605.3(AARS1):c.1909G>C (p.Asp637His)

Gene: AARS1 (alanyl-tRNA synthetase 1; minus strand). Cytogenetic location: 16q22.1.
Variant type: single nucleotide variant.
Coding change: c.1909G>C on transcript NM_001605.3 (MANE Select); coding-DNA position 1909, G replaced by C.
Protein change: p.Asp637His; replaces aspartic acid 637 with histidine.
Molecular consequence: missense variant.
Genome position (GRCh38, 1-based): chr16:70,259,063, C>G on the plus strand (G>C on the coding strand, the complement: AARS1 is on the minus strand). VCF-style: chr16-70259063-C-G. GRCh37 (hg19) VCF-style: chr16-70292966-C-G.
Other names: short protein forms D637H.
Identifiers: ClinVar variation 4806832 (VCV004806832.1).
Genomic context (GRCh38, chr16:70,259,063, plus strand): 5'-TAGCAATCTCTTCAGCCTTCTTGATCTGTTGGGTGGACATGGCTCCCTTGGCAGTAAAGT[C>G]AAATCTGAGGCGGTCAGGAGCAACCAATGAGCCTTTCTGGTCAGCTTCCCCAAGCACTGA-3'
Protein context (NP_001596.2, residues 627-647): SLVAPDRLRF[Asp637His]FTAKGAMSTQ

ClinVar aggregate classification (germline): Uncertain significance (1 of 4 stars; one submission).

Conditions:
Charcot-Marie-Tooth disease type 2. Also called: Charcot-Marie-Tooth type 2. Identifiers: Orphanet 64746, MedGen C0270914, MONDO:0018993.

gnomAD v4.1: 2 of 1,614,022 alleles (0.00012%); highest among the groups gnomAD compares: Non-Finnish European, 0.00017%; no homozygotes.

Submission:

Labcorp Genetics (formerly Invitae), Labcorp
Classification: Uncertain significance for Charcot-Marie-Tooth disease type 2. Last evaluated: 2025-02-20. Review status: criteria provided, single submitter. Criteria: Invitae Variant Classification Sherloc (09022015). Collection method: clinical testing. Allele origin: germline.
Comment: This sequence change replaces aspartic acid, which is acidic and polar, with histidine, which is basic and polar, at codon 637 of the AARS protein (p.Asp637His). This variant is present in population databases (no rsID available, gnomAD 0.0009%). This variant has not been reported in the literature in individuals affected with AARS-related conditions. Invitae Evidence Modeling of protein sequence and biophysical properties (such as structural, functional, and spatial information, amino acid conservation, physicochemical variation, residue mobility, and thermodynamic stability) indicates that this missense variant is expected to disrupt AARS protein function with a positive predictive value of 95%. In summary, the available evidence is currently insufficient to determine the role of this variant in disease. Therefore, it has been classified as a Variant of Uncertain Significance.